The following is an entry in ClinVar:

ClinVar aggregate classification (germline): Uncertain significance (1 of 4 stars; one submission).

Submission:

Women's Health and Genetics/Laboratory Corporation of America, LabCorp
Classification: Uncertain significance. Last evaluated: 2023-10-11. Review status: criteria provided, single submitter. Criteria: LabCorp Variant Classification Summary - May 2015. Collection method: clinical testing. Allele origin: germline.
Comment: Variant summary: EP300 c.3569C>T (p.Thr1190Ile) results in a non-conservative amino acid change located in the CREB-binding protein/p300, atypical RING domain (IPR010303) of the encoded protein sequence. Three of five in-silico tools predict a damaging effect of the variant on protein function. The variant was absent in 251288 control chromosomes. The available data on variant occurrences in the general population are insufficient to allow any conclusion about variant significance. To our knowledge, no occurrence of c.3569C>T in individuals affected with Rubinstein-Taybi Syndrome 2 and no experimental evidence demonstrating its impact on protein function have been reported. No submitters have cited clinical-significance assessments for this variant to ClinVar after 2014. Based on the evidence outlined above, the variant was classified as uncertain significance.

NM_001429.4(EP300):c.3569C>T (p.Thr1190Ile)

Gene: EP300 (E1A binding protein p300; plus strand). Cytogenetic location: 22q13.2.
Variant type: single nucleotide variant.
Coding change: c.3569C>T on transcript NM_001429.4 (MANE Select); coding-DNA position 3569, C replaced by T.
Protein change: p.Thr1190Ile; replaces threonine 1190 with isoleucine.
Molecular consequence: missense variant.
Genome position (GRCh38, 1-based): chr22:41,158,479, C>T. VCF-style: chr22-41158479-C-T. GRCh37 (hg19) VCF-style: chr22-41554483-C-T.
Other names: c.3491C>T, p.Thr1164Ile (NM_001362843.2); short protein forms T1164I, T1190I.
Identifiers: ClinVar variation 2637669 (VCV002637669.1), dbSNP rs2517808257, ClinGen allele CA411695532.